The following is an entry in ClinVar:

NM_000051.4(ATM):c.7186A>T (p.Thr2396Ser)

Genes: C11orf65 (chromosome 11 open reading frame 65; minus strand), ATM (ATM serine/threonine kinase; plus strand). Cytogenetic location: 11q22.3.
Variant type: single nucleotide variant.
Coding change: c.7186A>T on transcript NM_000051.4 (MANE Select); coding-DNA position 7186, A replaced by T.
Protein change: p.Thr2396Ser; replaces threonine 2396 with serine.
Molecular consequence: missense variant. On other transcripts: intron variant (2).
Genome position (GRCh38, 1-based): chr11:108,329,117, A>T. VCF-style: chr11-108329117-A-T. GRCh37 (hg19) VCF-style: chr11-108199844-A-T.
Other names: c.7186A>T, p.Thr2396Ser (NM_001351834.2); c.641-20046T>A (NM_001330368.2); c.*38+6103T>A (NM_001351110.2); short protein forms T2396S.
Identifiers: ClinVar variation 1757560 (VCV001757560.5), dbSNP rs2136416346, ClinGen allele CA382559585.

ClinVar aggregate classification (germline): Conflicting classifications of pathogenicity. Review status: criteria provided, conflicting classifications (1 of 4 stars). 2 submissions from 2 submitters: Uncertain significance (1); Likely benign (1). Last evaluated 2023-05-31.

Conditions:
Hereditary cancer-predisposing syndrome. Also called: Hereditary neoplastic syndrome; Neoplastic Syndromes, Hereditary; Tumor predisposition; Hereditary Cancer Syndrome. Identifiers: Orphanet 140162, MedGen C0027672, MeSH D009386, MONDO:0015356.
Ataxia-telangiectasia syndrome (AT). Also called: Ataxia telangiectasia (A-T); LOUIS-BAR SYNDROME; Cerebello-oculocutaneous telangiectasia; Immunodeficiency with ataxia telangiectasia; Ataxia-telangiectasia, complementation group D; AT, COMPLEMENTATION GROUP C. Identifiers: Orphanet 100, MedGen C0004135, MONDO:0008840, OMIM 208900.

Submissions (2):

Labcorp Genetics (formerly Invitae), Labcorp
Classification: Likely benign for Ataxia-telangiectasia syndrome. Last evaluated: 2023-05-31. Review status: criteria provided, single submitter. Criteria: Invitae Variant Classification Sherloc (09022015). Collection method: clinical testing. Allele origin: germline.

Ambry Genetics
Classification: Uncertain significance for Hereditary cancer-predisposing syndrome. Last evaluated: 2020-11-15. Review status: criteria provided, single submitter. Criteria: Ambry Variant Classification Scheme 2023. Collection method: clinical testing. Allele origin: germline.
Comment: The p.T2396S variant (also known as c.7186A>T), located in coding exon 48 of the ATM gene, results from an A to T substitution at nucleotide position 7186. The threonine at codon 2396 is replaced by serine, an amino acid with similar properties. This amino acid position is not well conserved in available vertebrate species. In addition, this alteration is predicted to be tolerated by in silico analysis. Since supporting evidence is limited at this time, the clinical significance of this alteration remains unclear.